The following is an entry in ClinVar:

ClinVar aggregate classification (germline): Benign (1 of 4 stars; one submission).

Conditions:
Immunodeficiency 67. Also called: Immunodeficiency due to interleukin-1 receptor-associated kinase-4 deficiency. Identifiers: Orphanet 70592, MedGen C1843256, MONDO:0011888, OMIM 607676.

Allele frequency attached by ClinVar (database versions not stated): 1000 Genomes Project 0.00559; 1000 Genomes Project 30x 0.00609; gnomAD 0.00814; TOPMed 0.00881.

Submission:

Illumina Laboratory Services, Illumina
Classification: Benign for Immunodeficiency 67. Last evaluated: 2018-01-12. Review status: criteria provided, single submitter. Criteria: ICSL Variant Classification Criteria 13 December 2019. Collection method: clinical testing. Allele origin: germline.
Comment: This variant was observed in the ICSL laboratory as part of a predisposition screen in an ostensibly healthy population. It had not been previously curated by ICSL or reported in the Human Gene Mutation Database (HGMD: prior to June 1st, 2018), and was therefore a candidate for classification through an automated scoring system. Utilizing variant allele frequency, disease prevalence and penetrance estimates, and inheritance mode, an automated score was calculated to assess if this variant is too frequent to cause the disease. Based on the score and internal cut-off values, a variant classified as benign is not then subjected to further curation. The score for this variant resulted in a classification of benign for this disease.

NM_016123.4(IRAK4):c.*2083C>G

Gene: IRAK4 (interleukin 1 receptor associated kinase 4; plus strand). Cytogenetic location: 12q12.
Variant type: single nucleotide variant.
Coding change: c.*2083C>G on transcript NM_016123.4 (MANE Select); 2083 bases downstream of the stop codon, C replaced by G.
Molecular consequence: 3 prime UTR variant.
Genome position (GRCh38, 1-based): chr12:43,788,798, C>G. VCF-style: chr12-43788798-C-G. GRCh37 (hg19) VCF-style: chr12-44182601-C-G.
Other names: c.*2083C>G (NM_001114182.3, NM_001145256.2, NM_001145257.2 and 9 more transcripts).
Identifiers: ClinVar variation 308761 (VCV000308761.5), dbSNP rs111813306, ClinGen allele CA10637484.
Genomic context (GRCh38, chr12:43,788,798, plus strand): 5'-TCACTGTGTTAGCCAGGATGGTCTTGATCTCCTGACCTCGTGATCACCCGCCTCGGCCTC[C>G]CAAAGTGCCAGTATTTAAAGTTTAATGTCTTCCCAGCTGGGTTTCAGACTTGCCAGGATC-3'